The following is an entry in ClinVar:

NM_201384.3(PLEC):c.1531G>T (p.Val511Leu)

Gene: PLEC (plectin; minus strand). Cytogenetic location: 8q24.3.
Variant type: single nucleotide variant.
Coding change: c.1531G>T on transcript NM_201384.3 (MANE Select); coding-DNA position 1531, G replaced by T.
Protein change: p.Val511Leu; replaces valine 511 with leucine.
Molecular consequence: missense variant.
Genome position (GRCh38, 1-based): chr8:143,932,999, C>A on the plus strand (G>T on the coding strand, the complement: PLEC is on the minus strand). VCF-style: chr8-143932999-C-A. GRCh37 (hg19) VCF-style: chr8-145007167-C-A.
Other names: c.1612G>T, p.Val538Leu (NM_000445.5, NM_001410941.1); c.1489G>T, p.Val497Leu (NM_201378.4); c.1465G>T, p.Val489Leu (NM_201379.3); c.1942G>T, p.Val648Leu (NM_201380.4); c.1435G>T, p.Val479Leu (NM_201381.3); c.1531G>T, p.Val511Leu (NM_201382.4); c.1543G>T, p.Val515Leu (NM_201383.3); short protein forms V497L, V515L, V538L, V489L, V511L, V648L, V479L.
Identifiers: ClinVar variation 3214690 (VCV003214690.2), dbSNP rs782470736, ClinGen allele CA4927935.

ClinVar aggregate classification (germline): Uncertain significance. Review status: criteria provided, multiple submitters, no conflicts (2 of 4 stars). 2 submissions from 2 submitters: Uncertain significance (2). Last evaluated 2025-06-13.

Conditions:
Epidermolysis bullosa simplex 5C, with pyloric atresia (EBS5C). Also called: PLEC1-Related Epidermolysis Bullosa with Pyloric Atresia; PLEC-Related Epidermolysis Bullosa with Pyloric Atresia; Epidermolysis bullosa simplex with pyloric atresia. Identifiers: Orphanet 158684, MedGen C2677349, MONDO:0012807, OMIM 612138.
Epidermolysis bullosa simplex 5B, with muscular dystrophy (EBS5B). Also called: EPIDERMOLYSIS BULLOSA SIMPLEX AND LIMB-GIRDLE MUSCULAR DYSTROPHY; Epidermolysis bullosa simplex with muscular dystrophy. Identifiers: Orphanet 257, MedGen C2931072, MONDO:0009181, OMIM 226670.
Epidermolysis bullosa simplex, Ogna type (EBS5A). Also called: Pidermolysis bullosa simplex 5A, Ogna type; EPIDERMOLYSIS BULLOSA SIMPLEX 5A, OGNA TYPE. Identifiers: Orphanet 79401, MedGen C0432317, MONDO:0007555, OMIM 131950.
Autosomal recessive limb-girdle muscular dystrophy type 2Q (LGMDR17). Also called: MUSCULAR DYSTROPHY, LIMB-GIRDLE, AUTOSOMAL RECESSIVE 17. Identifiers: Orphanet 254361, MedGen C3150989, MONDO:0013390, OMIM 613723.
Epidermolysis bullosa simplex with nail dystrophy (EBS5D). Identifiers: MedGen C4225309, MONDO:0014661, OMIM 616487.
Inborn genetic diseases. Identifiers: MedGen C0950123, MeSH D030342.

Allele frequency attached by ClinVar (database versions not stated): ExAC 0.00001; gnomAD 0.00001; TOPMed 0.00003.
gnomAD v4.1: 8 of 1,608,668 alleles (0.0005%); highest among the groups gnomAD compares: African/African-American, 0.0094%; no homozygotes.

Submissions (2):

Labcorp Genetics (formerly Invitae), Labcorp
Classification: Uncertain significance for Autosomal recessive limb-girdle muscular dystrophy type 2Q; Epidermolysis bullosa simplex, Ogna type; Epidermolysis bullosa simplex with nail dystrophy; Epidermolysis bullosa simplex 5C, with pyloric atresia; Epidermolysis bullosa simplex 5B, with muscular dystrophy. Last evaluated: 2025-06-13. Review status: criteria provided, single submitter. Criteria: Invitae Variant Classification Sherloc (09022015). Collection method: clinical testing. Allele origin: germline.
Comment: This sequence change replaces valine, which is neutral and non-polar, with leucine, which is neutral and non-polar, at codon 538 of the PLEC protein (p.Val538Leu). This variant is present in population databases (rs782470736, gnomAD 0.02%). This variant has not been reported in the literature in individuals affected with PLEC-related conditions. ClinVar contains an entry for this variant (Variation ID: 3214690). An algorithm developed to predict the effect of missense changes on protein structure and function outputs the following: PolyPhen-2: "Not Available". The leucine amino acid residue is found in multiple mammalian species, which suggests that this missense change does not adversely affect protein function. In summary, the available evidence is currently insufficient to determine the role of this variant in disease. Therefore, it has been classified as a Variant of Uncertain Significance.

Ambry Genetics
Classification: Uncertain significance for Inborn genetic diseases. Last evaluated: 2023-10-05. Review status: criteria provided, single submitter. Criteria: Ambry Variant Classification Scheme 2023. Collection method: clinical testing. Allele origin: germline.